The following is an entry in ClinVar:

NM_000089.4(COL1A2):c.231del (p.Phe77fs)

Gene: COL1A2 (collagen type I alpha 2 chain; plus strand). Cytogenetic location: 7q21.3.
Variant type: Deletion.
Coding change: c.231del on transcript NM_000089.4 (MANE Select); coding-DNA position 231, one base deleted (T; older notation c.231delT).
Protein change: p.Phe77fs; shifts the reading frame from phenylalanine 77.
Molecular consequence: frameshift variant.
Genome position (GRCh38, 1-based): chr7:94,401,572, T deleted; the last of 3 consecutive T bases (chr7:94,401,570-94,401,572); deleting any one gives the same sequence. VCF-style (leftmost placement, unchanged base first): chr7-94401569-CT-C. GRCh37 (hg19) VCF-style: chr7-94030881-CT-C.
Other names: p.Gly72ValfsTer24; c.231delT (NM_000089.4); short protein forms F77fs.
Identifiers: ClinVar variation 1341500 (VCV001341500.3), dbSNP rs2115865220, ClinGen allele CA2573052939.

ClinVar aggregate classification (germline): Pathogenic (1 of 4 stars; one submission).

Conditions:
Osteogenesis imperfecta, perinatal lethal (OI2). Also called: VROLIK TYPE OF OSTEOGENESIS IMPERFECTA; Osteogenesis imperfecta type 2; Osteogenesis imperfecta, dominant perinatal lethal; OSTEOGENESIS IMPERFECTA, TYPE II; OI, TYPE II; OSTEOGENESIS IMPERFECTA CONGENITA. Identifiers: Orphanet 216804, MedGen C0268358, MONDO:0008147, OMIM 166210.

Submission:

Institute of Medical Genetics and Genomics, Sir Ganga Ram Hospital
Classification: Pathogenic for Osteogenesis imperfecta, perinatal lethal. Last evaluated: 2022-02-06. Review status: criteria provided, single submitter. Criteria: ACMG Guidelines, 2015. Collection method: clinical testing. Allele origin: germline. Affected: yes. Observed: 1 variant allele.
Comment: Parets are carriers.

Literature cited by the submitters: PubMed 3383844; PubMed 8482361; PubMed 2952379.